The following is an entry in ClinVar:

ClinVar aggregate classification (germline): Likely pathogenic (1 of 4 stars; one submission).

Conditions:
Congenital factor V deficiency. Also called: OWREN PARAHEMOPHILIA; PARAHEMOPHILIA; Hereditary factor V deficiency disease; LABILE FACTOR DEFICIENCY. Identifiers: Orphanet 326, MedGen C0015499, MONDO:0009210, OMIM 227400.

Submission:

Labcorp Genetics (formerly Invitae), Labcorp
Classification: Likely pathogenic for Congenital factor V deficiency. Last evaluated: 2023-11-19. Review status: criteria provided, single submitter. Criteria: Invitae Variant Classification Sherloc (09022015). Collection method: clinical testing. Allele origin: germline.
Comment: This sequence change affects a donor splice site in intron 9 of the F5 gene. It is expected to disrupt RNA splicing. Variants that disrupt the donor or acceptor splice site typically lead to a loss of protein function (PMID: 16199547), and loss-of-function variants in F5 are known to be pathogenic (PMID: 30924984). This variant is not present in population databases (gnomAD no frequency). This variant has not been reported in the literature in individuals affected with F5-related conditions. Algorithms developed to predict the effect of sequence changes on RNA splicing suggest that this variant may disrupt the consensus splice site. In summary, the currently available evidence indicates that the variant is pathogenic, but additional data are needed to prove that conclusively. Therefore, this variant has been classified as Likely Pathogenic.

Literature cited by the submitters: PubMed 16199547; PubMed 30924984.

NM_000130.5(F5):c.1396+2T>C

Gene: F5 (coagulation factor V; minus strand). Cytogenetic location: 1q24.2.
Variant type: single nucleotide variant.
Coding change: c.1396+2T>C on transcript NM_000130.5 (MANE Select); the canonical splice donor site of the intron after coding-DNA position 1396, T replaced by C.
Molecular consequence: splice donor variant.
Genome position (GRCh38, 1-based): chr1:169,550,638, A>G on the plus strand (T>C on the coding strand, the complement: F5 is on the minus strand). VCF-style: chr1-169550638-A-G. GRCh37 (hg19) VCF-style: chr1-169519876-A-G.
Identifiers: ClinVar variation 2697345 (VCV002697345.3), dbSNP rs2526418803, ClinGen allele CA343125841.
Genomic context (GRCh38, chr1:169,550,638, plus strand): 5'-GAAAAATGTGGCAGCCTCTCAGAAGTTACTAGTTGGATTCAGTAGAAGTGAAAGATTCAA[A>G]CCTGAGGTGAAAGAAGAGTTGACTTCATCTTCATAAGGCGAGAAGGTCACTCCATGAGGG-3'